The following is an entry in ClinVar:

NM_003482.4(KMT2D):c.15541G>T (p.Gly5181Trp)

Gene: KMT2D (lysine methyltransferase 2D; minus strand). Cytogenetic location: 12q13.12.
Variant type: single nucleotide variant.
Coding change: c.15541G>T on transcript NM_003482.4 (MANE Select); coding-DNA position 15541, G replaced by T.
Protein change: p.Gly5181Trp; replaces glycine 5181 with tryptophan.
Molecular consequence: missense variant.
Genome position (GRCh38, 1-based): chr12:49,026,425, C>A on the plus strand (G>T on the coding strand, the complement: KMT2D is on the minus strand). VCF-style: chr12-49026425-C-A. GRCh37 (hg19) VCF-style: chr12-49420208-C-A.
Other names: short protein forms G5181W.
Identifiers: ClinVar variation 4995528 (VCV004995528.1).

ClinVar aggregate classification (germline): Uncertain significance (1 of 4 stars; one submission).

Conditions:
KMT2D-related disorder. Also called: KMT2D-Related Disorders.

Submission:

PreventionGenetics, part of Exact Sciences
Classification: Uncertain significance for KMT2D-related condition. Last evaluated: 2026-04-20. Review status: criteria provided, single submitter. Criteria: ACMG Guidelines, 2015. Collection method: clinical testing. Allele origin: germline.
Comment: The KMT2D c.15541G>T variant is predicted to result in the amino acid substitution p.Gly5181Trp. To our knowledge, this variant has not been reported in the literature or in a large population database (gnomAD), indicating this variant is rare. At this time, the clinical significance of this variant is uncertain due to the absence of conclusive functional and genetic evidence.